The following is an entry in ClinVar:

ClinVar aggregate classification (germline): Likely pathogenic. Review status: criteria provided, multiple submitters, no conflicts (2 of 4 stars). 3 submissions from 3 submitters: Likely pathogenic (2). 1 of the submissions does not count toward it. Last evaluated 2025-02-20.

Conditions:
Peroxisome biogenesis disorder 4A (Zellweger) (PBD4A). Also called: Zellweger syndrome spectrum (PEX6-related). Identifiers: Orphanet 912, MedGen C3553936, MONDO:0013930, OMIM 614862. Disease mechanism: loss of function.
Peroxisome biogenesis disorder. Identifiers: Orphanet 79189, MedGen C1832200, MONDO:0019234. Disease mechanism: loss of function.
Zellweger spectrum disorders (ZS). Also called: Zellweger Spectrum Disorder; Zellweger Spectrum; Zellweger syndrome; Zellweger Spectrum Disorder (ZSD). Identifiers: Orphanet 912, MedGen C0043459, MONDO:0019609.

Submissions (3):

Natera, Inc.
Classification: Likely pathogenic for Zellweger syndrome. Last evaluated: 2025-02-20. Review status: criteria provided, single submitter. Criteria: Natera Variant Classification Schema (03/2026). Collection method: clinical testing. Allele origin: germline.
Comment: The c.1130+1G>A variant in PEX6 is a canonical splice donor site variant predicted to affect pre-mRNA splicing, which may result in an abnormal transcript and altered protein product. This variant may result in a truncated or dysfunctional protein product. This variant is rare in the general population with a frequency below the threshold expected for the associated phenotype(s). This variant has been observed in one or more individuals affected with the associated recessive disease, as either homozygous or compound heterozygous with a second variant (PMID: 8940266, 31884617). Functional studies show that this variant may disrupt protein function (PMID: 8940266). Given the available evidence, this variant is classified as Likely Pathogenic.

Labcorp Genetics (formerly Invitae), Labcorp
Classification: Likely pathogenic for Peroxisome biogenesis disorder. Last evaluated: 2022-02-05. Review status: criteria provided, single submitter. Criteria: Invitae Variant Classification Sherloc (09022015). Collection method: clinical testing. Allele origin: germline.
Comment: Algorithms developed to predict the effect of sequence changes on RNA splicing suggest that this variant may disrupt the consensus splice site. In summary, the currently available evidence indicates that the variant is pathogenic, but additional data are needed to prove that conclusively. Therefore, this variant has been classified as Likely Pathogenic. ClinVar contains an entry for this variant (Variation ID: 8122). This sequence change affects a donor splice site in intron 3 of the PEX6 gene. It is expected to disrupt RNA splicing. Variants that disrupt the donor or acceptor splice site typically lead to a loss of protein function (PMID: 16199547), and loss-of-function variants in PEX6 are known to be pathogenic (PMID: 8670792, 19877282, 21031596). This variant is not present in population databases (gnomAD no frequency). Disruption of this splice site has been observed in individual(s) with early onset and severe retinal dystrophy associated with sensorineural hearing loss and/or Zellweger syndrome (PMID: 8940266, 31884617).

OMIM
Classification: Pathogenic for PEROXISOME BIOGENESIS DISORDER 4A (ZELLWEGER). Last evaluated: 1996-12-01. Review status: no assertion criteria provided. Collection method: literature only. Allele origin: germline. Not counted in ClinVar's aggregate classification.

Literature cited by the submitters: PubMed 8940266 (cited by 3 submitters); PubMed 31884617 (cited by Natera, Inc. and Labcorp Genetics (formerly Invitae), Labcorp); PubMed 16199547 (cited by Labcorp Genetics (formerly Invitae), Labcorp); PubMed 8670792 (cited by Labcorp Genetics (formerly Invitae), Labcorp); PubMed 19877282 (cited by Labcorp Genetics (formerly Invitae), Labcorp); PubMed 21031596 (cited by Labcorp Genetics (formerly Invitae), Labcorp).

NM_000287.4(PEX6):c.1130+1G>A

Gene: PEX6 (peroxisomal biogenesis factor 6; minus strand). Cytogenetic location: 6p21.1.
Variant type: single nucleotide variant.
Coding change: c.1130+1G>A on transcript NM_000287.4 (MANE Select); the canonical splice donor site of the intron after coding-DNA position 1130, G replaced by A.
Molecular consequence: splice donor variant.
Genome position (GRCh38, 1-based): chr6:42,974,002, C>T on the plus strand (G>A on the coding strand, the complement: PEX6 is on the minus strand). VCF-style: chr6-42974002-C-T. GRCh37 (hg19) VCF-style: chr6-42941740-C-T.
Other names: IVS3DS, G-A, +1; c.866+1G>A (NM_001316313.2).
Identifiers: ClinVar variation 8122 (VCV000008122.13), dbSNP rs267608213, ClinGen allele CA138230735.